The following is an entry in ClinVar:

ClinVar aggregate classification (germline): Pathogenic (1 of 4 stars; one submission).

Conditions:
Autism spectrum disorder. Also called: Autism spectrum disorders. Identifiers: MedGen C1510586, MeSH D000067877, MONDO:0005258.
Inborn genetic diseases. Identifiers: MedGen C0950123, MeSH D030342.

Submission:

Ambry Genetics
Classification: Pathogenic for Inborn genetic diseases. Last evaluated: 2017-08-04. Review status: criteria provided, single submitter. Criteria: Ambry exome assertion method (8-5-2015). Collection method: clinical testing. Allele origin: germline. Affected: yes. Observed: 1 variant allele.

NM_001170629.2(CHD8):c.5607dup (p.Asp1870fs)

Gene: CHD8 (chromodomain helicase DNA binding protein 8; minus strand). Cytogenetic location: 14q11.2.
Variant type: Duplication.
Coding change: c.5607dup on transcript NM_001170629.2 (MANE Select); coding-DNA position 5607, one base duplicated (C; older notation c.5607dupC).
Protein change: p.Asp1870fs; shifts the reading frame from aspartic acid 1870.
Molecular consequence: frameshift variant.
Genome position (GRCh38, 1-based): chr14:21,394,188, G duplicated on the plus strand (C on the coding strand, the reverse complement: CHD8 is on the minus strand); the first of 6 consecutive G bases (chr14:21,394,188-21,394,193); duplicating any one gives the same sequence. VCF-style (leftmost placement, unchanged base first): chr14-21394187-C-CG. GRCh37 (hg19) VCF-style: chr14-21862346-C-CG.
Other names: c.5607dupC (NM_001170629.1, NM_001170629.2); c.4770dup, p.Asp1591fs (NM_020920.4); short protein forms D1591fs, D1870fs.
Identifiers: ClinVar variation 521588 (VCV000521588.4), dbSNP rs774152851, ClinGen allele CA658798162.